The following is an entry in ClinVar:

ClinVar aggregate classification (germline): Uncertain significance (1 of 4 stars; one submission).

Submission:

Labcorp Genetics (formerly Invitae), Labcorp
Classification: Uncertain significance. Last evaluated: 2022-02-20. Review status: criteria provided, single submitter. Criteria: Invitae Variant Classification Sherloc (09022015). Collection method: clinical testing. Allele origin: germline.
Comment: Algorithms developed to predict the effect of missense changes on protein structure and function are either unavailable or do not agree on the potential impact of this missense change (SIFT: "Deleterious"; PolyPhen-2: "Probably Damaging"; Align-GVGD: "Class C0"). In summary, the available evidence is currently insufficient to determine the role of this variant in disease. Therefore, it has been classified as a Variant of Uncertain Significance. This variant has not been reported in the literature in individuals affected with CAD-related conditions. This variant is not present in population databases (gnomAD no frequency). This sequence change replaces aspartic acid, which is acidic and polar, with valine, which is neutral and non-polar, at codon 345 of the CAD protein (p.Asp345Val).

NM_004341.5(CAD):c.1034A>T (p.Asp345Val)

Gene: CAD (carbamoyl-phosphate synthetase 2, aspartate transcarbamylase, and dihydroorotase; plus strand). Cytogenetic location: 2p23.3.
Variant type: single nucleotide variant.
Coding change: c.1034A>T on transcript NM_004341.5 (MANE Select); coding-DNA position 1034, A replaced by T.
Protein change: p.Asp345Val; replaces aspartic acid 345 with valine.
Molecular consequence: missense variant.
Genome position (GRCh38, 1-based): chr2:27,223,955, A>T. VCF-style: chr2-27223955-A-T. GRCh37 (hg19) VCF-style: chr2-27446823-A-T.
Other names: c.1034A>T, p.Asp345Val (NM_001306079.2); short protein forms D345V.
Identifiers: ClinVar variation 2100108 (VCV002100108.4), dbSNP rs2465294551, ClinGen allele CA346202727.